The following is an entry in ClinVar:

NM_012448.4(STAT5B):c.823C>T (p.Leu275=)

Gene: STAT5B (signal transducer and activator of transcription 5B; minus strand). Cytogenetic location: 17q21.2.
Variant type: single nucleotide variant.
Coding change: c.823C>T on transcript NM_012448.4 (MANE Select); coding-DNA position 823, C replaced by T.
Protein change: p.Leu275=; no amino-acid change (leucine 275 retained).
Molecular consequence: synonymous variant.
Genome position (GRCh38, 1-based): chr17:42,219,322, G>A on the plus strand (C>T on the coding strand, the complement: STAT5B is on the minus strand). VCF-style: chr17-42219322-G-A. GRCh37 (hg19) VCF-style: chr17-40371340-G-A.
Identifiers: ClinVar variation 3367881 (VCV003367881.1).

ClinVar aggregate classification (germline): Uncertain significance (1 of 4 stars; one submission).

gnomAD v4.1: 7 of 1,473,600 alleles (0.00048%); highest among the groups gnomAD compares: Middle Eastern, 0.025%; 1 homozygote.

Submission:

GeneDx
Classification: Uncertain significance. Last evaluated: 2024-01-26. Review status: criteria provided, single submitter. Criteria: GeneDx Variant Classification Process June 2021. Collection method: clinical testing. Allele origin: germline. Affected: yes.
Comment: In silico analysis supports that this variant does not alter splicing; Has not been previously published as pathogenic or benign to our knowledge